The following is an entry in ClinVar:

NM_198578.4(LRRK2):c.7324C>T (p.Arg2442Cys)

Gene: LRRK2 (leucine rich repeat kinase 2; plus strand). Cytogenetic location: 12q12.
Variant type: single nucleotide variant.
Coding change: c.7324C>T on transcript NM_198578.4 (MANE Select); coding-DNA position 7324, C replaced by T.
Protein change: p.Arg2442Cys; replaces arginine 2442 with cysteine.
Molecular consequence: missense variant.
Genome position (GRCh38, 1-based): chr12:40,364,984, C>T. VCF-style: chr12-40364984-C-T. GRCh37 (hg19) VCF-style: chr12-40758786-C-T.
Other names: short protein forms R2442C.
Identifiers: ClinVar variation 1376743 (VCV001376743.7), dbSNP rs199893519, ClinGen allele CA235360555.
Genomic context (GRCh38, chr12:40,364,984, plus strand): 5'-AACACTGCTCTTTGGATAGGAACTGGAGGAGGCCATATTTTACTCCTGGATCTTTCAACT[C>T]GTCGACTTATACGTGTAATTTACAACTTTTGTAATTCGGTCAGAGTCATGATGACAGCAC-3'
Protein context (NP_940980.4, residues 2432-2452): GHILLLDLST[Arg2442Cys]RLIRVIYNFC

ClinVar aggregate classification (germline): Uncertain significance. Review status: criteria provided, multiple submitters, no conflicts (2 of 4 stars). 2 submissions from 2 submitters: Uncertain significance (2). Last evaluated 2025-10-03.

Conditions:
Autosomal dominant Parkinson disease 8. Also called: LRRK2-Related Parkinson Disease; Parkinson disease 8; Parkinson disease 8, susceptibility to. Identifiers: Orphanet 411602, MedGen C1846862, MONDO:0011764, OMIM 607060.

Allele frequency attached by ClinVar (database versions not stated): gnomAD 0.00001; gnomAD exomes 0.00002; TOPMed 0.00003.
gnomAD v4.1: 58 of 1,612,476 alleles (0.0036%); highest among the groups gnomAD compares: Middle Eastern, 0.016%; no homozygotes.

Submissions (2):

Labcorp Genetics (formerly Invitae), Labcorp
Classification: Uncertain significance for Autosomal dominant Parkinson disease 8. Last evaluated: 2025-10-03. Review status: criteria provided, single submitter. Criteria: Invitae Variant Classification Sherloc (09022015). Collection method: clinical testing. Allele origin: germline.
Comment: This sequence change replaces arginine, which is basic and polar, with cysteine, which is neutral and slightly polar, at codon 2442 of the LRRK2 protein (p.Arg2442Cys). This variant is present in population databases (rs199893519, gnomAD 0.005%). This variant has not been reported in the literature in individuals affected with LRRK2-related conditions. ClinVar contains an entry for this variant (Variation ID: 1376743). Invitae Evidence Modeling of protein sequence and biophysical properties (such as structural, functional, and spatial information, amino acid conservation, physicochemical variation, residue mobility, and thermodynamic stability) has been performed for this missense variant. However, the output from this modeling did not meet the statistical confidence thresholds required to predict the impact of this variant on LRRK2 protein function. In summary, the available evidence is currently insufficient to determine the role of this variant in disease. Therefore, it has been classified as a Variant of Uncertain Significance.

Fulgent Genetics
Classification: Uncertain significance for Autosomal dominant Parkinson disease 8. Last evaluated: 2022-03-08. Review status: criteria provided, single submitter. Criteria: ACMG Guidelines, 2015. Collection method: clinical testing. Allele origin: unknown.